The following is an entry in ClinVar:

NM_018723.4(RBFOX1):c.171G>T (p.Thr57=)

Gene: RBFOX1 (RNA binding fox-1 homolog 1; plus strand). Cytogenetic location: 16p13.3.
Variant type: single nucleotide variant.
Coding change: c.171G>T on transcript NM_018723.4 (MANE Select); coding-DNA position 171, G replaced by T.
Protein change: p.Thr57=; no amino-acid change (threonine 57 retained).
Molecular consequence: synonymous variant.
Genome position (GRCh38, 1-based): chr16:7,518,290, G>T. VCF-style: chr16-7518290-G-T. GRCh37 (hg19) VCF-style: chr16-7568292-G-T.
Other names: c.171G>T, p.Thr57= (NM_001142333.2, NM_001142334.2, NM_001364800.2 and 1 more transcripts); c.300G>T, p.Thr100= (NM_001308117.1, NM_001411047.1, NM_001415891.1 and 5 more transcripts); c.768G>T, p.Thr256= (NM_001415887.1, NM_001415888.1); c.279G>T, p.Thr93= (NM_001415889.1, NM_001415892.1, NM_001415894.1 and 5 more transcripts); c.246G>T, p.Thr82= (NM_001415890.1, NM_001415893.1, NM_001415899.1 and 4 more transcripts); c.231G>T, p.Thr77= (NM_001415896.1, NM_001415904.1, NM_001415906.1 and 4 more transcripts); c.177G>T, p.Thr59= (NM_001415902.1, NM_001415911.1, NM_001415917.1).
Identifiers: ClinVar variation 3052773 (VCV003052773.2), dbSNP rs772780511, ClinGen allele CA493702126.

ClinVar aggregate classification (germline): Likely benign (0 of 4 stars; one submission).

Conditions:
RBFOX1-related disorder. Also called: RBFOX1-related condition.

gnomAD v4.1: 1 of 1,614,084 alleles (0.000062%); highest among the groups gnomAD compares: South Asian, 0.0011%; no homozygotes.

Submission:

PreventionGenetics, part of Exact Sciences
Classification: Likely benign for RBFOX1-related condition. Last evaluated: 2019-09-05. Review status: no assertion criteria provided. Collection method: clinical testing. Allele origin: germline.
Comment: This variant is classified as likely benign based on ACMG/AMP sequence variant interpretation guidelines (Richards et al. 2015 PMID: 25741868, with internal and published modifications).